The following is an entry in ClinVar:

ClinVar aggregate classification (germline): Uncertain significance (1 of 4 stars; one submission).

gnomAD v4.1: 88 of 1,611,948 alleles (0.0055%); highest among the groups gnomAD compares: Middle Eastern, 0.022%; no homozygotes.

Submission:

Labcorp Genetics (formerly Invitae), Labcorp
Classification: Uncertain significance. Last evaluated: 2025-06-30. Review status: criteria provided, single submitter. Criteria: Invitae Variant Classification Sherloc (09022015). Collection method: clinical testing. Allele origin: germline.
Comment: This sequence change replaces arginine, which is basic and polar, with cysteine, which is neutral and slightly polar, at codon 386 of the KRT17 protein (p.Arg386Cys). This variant is present in population databases (rs752588997, gnomAD 0.004%). This variant has not been reported in the literature in individuals affected with KRT17-related conditions. Invitae Evidence Modeling of protein sequence and biophysical properties (such as structural, functional, and spatial information, amino acid conservation, physicochemical variation, residue mobility, and thermodynamic stability) indicates that this missense variant is not expected to disrupt KRT17 protein function with a negative predictive value of 95%. In summary, the available evidence is currently insufficient to determine the role of this variant in disease. Therefore, it has been classified as a Variant of Uncertain Significance.

NM_000422.3(KRT17):c.1156C>T (p.Arg386Cys)

Gene: KRT17 (keratin 17; minus strand). Cytogenetic location: 17q21.2.
Variant type: single nucleotide variant.
Coding change: c.1156C>T on transcript NM_000422.3 (MANE Select); coding-DNA position 1156, C replaced by T.
Protein change: p.Arg386Cys; replaces arginine 386 with cysteine.
Molecular consequence: missense variant.
Genome position (GRCh38, 1-based): chr17:41,620,684, G>A on the plus strand (C>T on the coding strand, the complement: KRT17 is on the minus strand). VCF-style: chr17-41620684-G-A. GRCh37 (hg19) VCF-style: chr17-39776936-G-A.
Other names: short protein forms R386C.
Identifiers: ClinVar variation 4753277 (VCV004753277.1).
Genomic context (GRCh38, chr17:41,620,684, plus strand): 5'-GACCCCCAGCCCTGACCCCAGGCGCCCCCACTCACTGGGCATCCTCTCCCTCCAGCAGGC[G>A]GCGGTAGGTGGCAATCTCCTGCTCCAGCCGCGTCTTCACATCCAGCAGGATTTTGTATTC-3'
Protein context (NP_000413.1, residues 376-396): RLEQEIATYR[Arg386Cys]LLEGEDAHLT